The following is an entry in ClinVar:

ClinVar aggregate classification (germline): Uncertain significance (1 of 4 stars; one submission).

Conditions:
Bardet-Biedl syndrome (BBS). Identifiers: Orphanet 110, MedGen C0752166, MONDO:0015229.

Submission:

Labcorp Genetics (formerly Invitae), Labcorp
Classification: Uncertain significance for Bardet-Biedl syndrome. Last evaluated: 2022-10-04. Review status: criteria provided, single submitter. Criteria: Invitae Variant Classification Sherloc (09022015). Collection method: clinical testing. Allele origin: germline.
Comment: In summary, the available evidence is currently insufficient to determine the role of this variant in disease. Therefore, it has been classified as a Variant of Uncertain Significance. Advanced modeling of protein sequence and biophysical properties (such as structural, functional, and spatial information, amino acid conservation, physicochemical variation, residue mobility, and thermodynamic stability) performed at Invitae indicates that this missense variant is expected to disrupt BBS7 protein function. This variant has not been reported in the literature in individuals affected with BBS7-related conditions. This variant is not present in population databases (gnomAD no frequency). This sequence change replaces asparagine, which is neutral and polar, with lysine, which is basic and polar, at codon 547 of the BBS7 protein (p.Asn547Lys).

NM_176824.3(BBS7):c.1641C>G (p.Asn547Lys)

Gene: BBS7 (Bardet-Biedl syndrome 7; minus strand). Cytogenetic location: 4q27.
Variant type: single nucleotide variant.
Coding change: c.1641C>G on transcript NM_176824.3 (MANE Select); coding-DNA position 1641, C replaced by G.
Protein change: p.Asn547Lys; replaces asparagine 547 with lysine.
Molecular consequence: missense variant.
Genome position (GRCh38, 1-based): chr4:121,833,266, G>C on the plus strand (C>G on the coding strand, the complement: BBS7 is on the minus strand). VCF-style: chr4-121833266-G-C. GRCh37 (hg19) VCF-style: chr4-122754421-G-C.
Other names: c.1641C>G, p.Asn547Lys (NM_018190.4); short protein forms N547K.
Identifiers: ClinVar variation 2014350 (VCV002014350.4), dbSNP rs2476445487, ClinGen allele CA358057215.
Genomic context (GRCh38, chr4:121,833,266, plus strand): 5'-TGAACCAGTAATAAGTTAGATTTACCTGTAGGTACTTTCAAGTTGTGTATCTAGAAAGGT[G>C]TTCTGAAAGTAAAATGTCACACATTCTCCTGCTGGAGGTTTTTCTGGAACTTCAGGCAGA-3'
Protein context (NP_789794.1, residues 537-557): AGECVTFYFQ[Asn547Lys]TFLDTQLEST